The following is an entry in ClinVar:

NM_001378454.1(ALMS1):c.10873T>A (p.Leu3625Met)

Gene: ALMS1 (ALMS1 centrosome and basal body associated protein; plus strand). Cytogenetic location: 2p13.1.
Variant type: single nucleotide variant.
Coding change: c.10873T>A on transcript NM_001378454.1 (MANE Select); coding-DNA position 10873, T replaced by A.
Protein change: p.Leu3625Met; replaces leucine 3625 with methionine.
Molecular consequence: missense variant.
Genome position (GRCh38, 1-based): chr2:73,572,750, T>A. VCF-style: chr2-73572750-T-A. GRCh37 (hg19) VCF-style: chr2-73799877-T-A.
Other names: c.10876T>A, p.Leu3626Met (NM_015120.4); short protein forms L3625M, L3626M.
Identifiers: ClinVar variation 1995067 (VCV001995067.4), dbSNP rs762668289, ClinGen allele CA347285971.

ClinVar aggregate classification (germline): Uncertain significance (1 of 4 stars; one submission).

Conditions:
Alstrom syndrome (ALMS). Identifiers: Orphanet 64, MedGen C0268425, MONDO:0008763, OMIM 203800.

Submission:

Labcorp Genetics (formerly Invitae), Labcorp
Classification: Uncertain significance for Alstrom syndrome. Last evaluated: 2022-09-27. Review status: criteria provided, single submitter. Criteria: Invitae Variant Classification Sherloc (09022015). Collection method: clinical testing. Allele origin: germline.
Comment: This sequence change replaces leucine, which is neutral and non-polar, with methionine, which is neutral and non-polar, at codon 3626 of the ALMS1 protein (p.Leu3626Met). This variant has not been reported in the literature in individuals affected with ALMS1-related conditions. This variant is not present in population databases (gnomAD no frequency). Experimental studies and prediction algorithms are not available or were not evaluated, and the functional significance of this variant is currently unknown. In summary, the available evidence is currently insufficient to determine the role of this variant in disease. Therefore, it has been classified as a Variant of Uncertain Significance.